The following is an entry in ClinVar:

NM_001844.5(COL2A1):c.309+20T>A

Gene: COL2A1 (collagen type II alpha 1 chain; minus strand). Cytogenetic location: 12q13.11.
Variant type: single nucleotide variant.
Coding change: c.309+20T>A on transcript NM_001844.5 (MANE Select); 20 bases into the intron after coding-DNA position 309, T replaced by A.
Molecular consequence: intron variant.
Genome position (GRCh38, 1-based): chr12:47,998,395, A>T on the plus strand (T>A on the coding strand, the complement: COL2A1 is on the minus strand). VCF-style: chr12-47998395-A-T. GRCh37 (hg19) VCF-style: chr12-48392178-A-T.
Other names: c.102+20T>A (NM_033150.3).
Identifiers: ClinVar variation 507182 (VCV000507182.9), dbSNP rs368766858, ClinGen allele CA6536045.

ClinVar aggregate classification (germline): Likely benign. Review status: criteria provided, multiple submitters, no conflicts (2 of 4 stars). 3 submissions from 3 submitters: Likely benign (3). Last evaluated 2025-10-14.

Allele frequency attached by ClinVar (database versions not stated): gnomAD exomes below 0.00001; ExAC 0.00001; TOPMed 0.00001; ESP Exome Variant Server 0.00015.

Submissions (3):

Labcorp Genetics (formerly Invitae), Labcorp
Classification: Likely benign. Last evaluated: 2025-10-14. Review status: criteria provided, single submitter. Criteria: Invitae Variant Classification Sherloc (09022015). Collection method: clinical testing. Allele origin: germline.

Blueprint Genetics
Classification: Likely benign. Last evaluated: 2022-11-28. Review status: criteria provided, single submitter. Criteria: ACMG Guidelines, 2015. Collection method: clinical testing. Allele origin: germline.

GeneDx
Classification: Likely benign. Last evaluated: 2017-02-07. Review status: criteria provided, single submitter. Criteria: GeneDx Variant Classification (06012015). Collection method: clinical testing. Allele origin: germline. Affected: yes.
Comment: This variant is considered likely benign or benign based on one or more of the following criteria: it is a conservative change, it occurs at a poorly conserved position in the protein, it is predicted to be benign by multiple in silico algorithms, and/or has population frequency not consistent with disease.